The following is an entry in ClinVar:

NM_002227.4(JAK1):c.1375G>A (p.Glu459Lys)

Gene: JAK1 (Janus kinase 1; minus strand). Cytogenetic location: 1p31.3.
Variant type: single nucleotide variant.
Coding change: c.1375G>A on transcript NM_002227.4 (MANE Select); coding-DNA position 1375, G replaced by A.
Protein change: p.Glu459Lys; replaces glutamic acid 459 with lysine.
Molecular consequence: missense variant.
Genome position (GRCh38, 1-based): chr1:64,857,739, C>T on the plus strand (G>A on the coding strand, the complement: JAK1 is on the minus strand). VCF-style: chr1-64857739-C-T. GRCh37 (hg19) VCF-style: chr1-65323422-C-T.
Other names: c.1375G>A, p.Glu459Lys (NM_001320923.2, NM_001321852.2, NM_001321853.2 and 4 more transcripts); short protein forms E459K.
Identifiers: ClinVar variation 2420399 (VCV002420399.6), dbSNP rs774002055, ClinGen allele CA892949.

ClinVar aggregate classification (germline): Uncertain significance (1 of 4 stars; one submission).

Allele frequency attached by ClinVar (database versions not stated): gnomAD 0.00003; gnomAD exomes 0.00004; ExAC 0.00006.
gnomAD v4.1: 57 of 1,614,066 alleles (0.0035%); highest among the groups gnomAD compares: Admixed American, 0.015%; 1 homozygote.

Submission:

Labcorp Genetics (formerly Invitae), Labcorp
Classification: Uncertain significance. Last evaluated: 2025-03-13. Review status: criteria provided, single submitter. Criteria: Invitae Variant Classification Sherloc (09022015). Collection method: clinical testing. Allele origin: germline.
Comment: This sequence change replaces glutamic acid, which is acidic and polar, with lysine, which is basic and polar, at codon 459 of the JAK1 protein (p.Glu459Lys). This variant is present in population databases (rs774002055, gnomAD 0.05%), and has an allele count higher than expected for a pathogenic variant. This variant has not been reported in the literature in individuals affected with JAK1-related conditions. ClinVar contains an entry for this variant (Variation ID: 2420399). Invitae Evidence Modeling of protein sequence and biophysical properties (such as structural, functional, and spatial information, amino acid conservation, physicochemical variation, residue mobility, and thermodynamic stability) indicates that this missense variant is not expected to disrupt JAK1 protein function with a negative predictive value of 80%. In summary, the available evidence is currently insufficient to determine the role of this variant in disease. Therefore, it has been classified as a Variant of Uncertain Significance.